The following is an entry in ClinVar:

NM_001164508.2(NEB):c.4535_4536del (p.Leu1512fs)

Gene: NEB (nebulin; minus strand). Cytogenetic location: 2q23.3.
Variant type: Deletion.
Coding change: c.4535_4536del on transcript NM_001164508.2 (MANE Select); coding-DNA positions 4535 to 4536, 2 bases deleted (TG; older notation c.4535_4536delTG).
Protein change: p.Leu1512fs; shifts the reading frame from leucine 1512.
Molecular consequence: frameshift variant.
Genome position (GRCh38, 1-based): chr2:151,669,102-151,669,103, CA deleted on the plus strand (TG on the coding strand, the reverse complement: NEB is on the minus strand). VCF-style (leftmost placement, unchanged base first): chr2-151669101-TCA-T. GRCh37 (hg19) VCF-style: chr2-152525615-TCA-T.
Other names: c.4535_4536del, p.Leu1512fs (NM_001164507.2, NM_001271208.2, NM_004543.5); short protein forms L1512fs.
Identifiers: ClinVar variation 970388 (VCV000970388.8), dbSNP rs2099254893, ClinGen allele CA1139657253.

ClinVar aggregate classification (germline): Pathogenic (1 of 4 stars; one submission).

Conditions:
Nemaline myopathy 2 (NEM2). Also called: Nemaline myopathy 2, autosomal recessive. Identifiers: MedGen C1850569, MONDO:0009725, OMIM 256030.

Submission:

Labcorp Genetics (formerly Invitae), Labcorp
Classification: Pathogenic for Nemaline myopathy 2. Last evaluated: 2022-04-22. Review status: criteria provided, single submitter. Criteria: Invitae Variant Classification Sherloc (09022015). Collection method: clinical testing. Allele origin: germline.
Comment: This sequence change creates a premature translational stop signal (p.Leu1512Glnfs*7) in the NEB gene. It is expected to result in an absent or disrupted protein product. Loss-of-function variants in NEB are known to be pathogenic (PMID: 25205138). For these reasons, this variant has been classified as Pathogenic. ClinVar contains an entry for this variant (Variation ID: 970388). This variant has not been reported in the literature in individuals affected with NEB-related conditions. This variant is not present in population databases (gnomAD no frequency).

Literature cited by the submitters: PubMed 25205138.